The following is an entry in ClinVar:

ClinVar aggregate classification (germline): Benign (1 of 4 stars; one submission).

Allele frequency attached by ClinVar (database versions not stated): TOPMed 0.42800; gnomAD 0.44067; 1000 Genomes Project 0.44708; 1000 Genomes Project 30x 0.45269.
gnomAD v4.1: 63,979 of 151,882 alleles (42%); highest among the groups gnomAD compares: East Asian, 68%; 13,989 homozygotes.

Submission:

GeneDx
Classification: Benign. Last evaluated: 2018-06-18. Review status: criteria provided, single submitter. Criteria: GeneDx Variant Classification (06012015). Collection method: clinical testing. Allele origin: germline. Affected: yes.
Comment: This variant is considered likely benign or benign based on one or more of the following criteria: it is a conservative change, it occurs at a poorly conserved position in the protein, it is predicted to be benign by multiple in silico algorithms, and/or has population frequency not consistent with disease.

NM_000722.4(CACNA2D1):c.178-290C>A

Gene: CACNA2D1 (calcium voltage-gated channel auxiliary subunit alpha2delta 1; minus strand). Cytogenetic location: 7q21.11.
Variant type: single nucleotide variant.
Coding change: c.178-290C>A on transcript NM_000722.4 (MANE Select); 290 bases into the intron before coding-DNA position 178, C replaced by A.
Molecular consequence: intron variant.
Genome position (GRCh38, 1-based): chr7:82,335,541, G>T on the plus strand (C>A on the coding strand, the complement: CACNA2D1 is on the minus strand). VCF-style: chr7-82335541-G-T. GRCh37 (hg19) VCF-style: chr7-81964857-G-T.
Other names: c.178-290C>A (NM_001366867.1, NM_001302890.2).
Identifiers: ClinVar variation 668894 (VCV000668894.1), dbSNP rs42237, ClinGen allele CA12474032.